The following is an entry in ClinVar:

NM_000274.4(OAT):c.1111G>A (p.Val371Ile)

Gene: OAT (ornithine aminotransferase; minus strand). Cytogenetic location: 10q26.13.
Variant type: single nucleotide variant.
Coding change: c.1111G>A on transcript NM_000274.4 (MANE Select); coding-DNA position 1111, G replaced by A.
Protein change: p.Val371Ile; replaces valine 371 with isoleucine.
Molecular consequence: missense variant.
Genome position (GRCh38, 1-based): chr10:124,400,888, C>T on the plus strand (G>A on the coding strand, the complement: OAT is on the minus strand). VCF-style: chr10-124400888-C-T. GRCh37 (hg19) VCF-style: chr10-126089457-C-T.
Other names: c.697G>A, p.Val233Ile (NM_001171814.2); c.1111G>A, p.Val371Ile (NM_001322965.2, NM_001322966.2, NM_001322967.2 and 3 more transcripts); c.790G>A, p.Val264Ile (NM_001322971.2); c.511G>A, p.Val171Ile (NM_001322974.2); short protein forms V233I, V171I, V264I, V371I.
Identifiers: ClinVar variation 2151631 (VCV002151631.3), dbSNP rs763064048, ClinGen allele CA5733330.
Genomic context (GRCh38, chr10:124,400,888, plus strand): 5'-TTATCTCCATACCTTTGGTTTCTTTAATGACAATAGCGTTTAATAATCCTTTTCCTCTTA[C>T]GGCAGTTACAACATCAGAAGGTAGCTTCATGAGTTCATTTCTCAAGATAATGCCCAATTT-3'
Protein context (NP_000265.1, residues 361-381): MKLPSDVVTA[Val371Ile]RGKGLLNAIV

ClinVar aggregate classification (germline): Uncertain significance. Review status: criteria provided, multiple submitters, no conflicts (2 of 4 stars). 3 submissions from 3 submitters: Uncertain significance (3). Last evaluated 2025-01-01.

Conditions:
Ornithine aminotransferase deficiency (GACR). Also called: OAT DEFICIENCY; HYPERORNITHINEMIA WITH GYRATE ATROPHY OF CHOROID AND RETINA; Ornithine ketoacid aminotransferase deficiency; Gyrate atrophy; Gyrate atrophy of choroid and retina; Girate atrophy of the retina. Identifiers: Orphanet 414, MedGen C0018425, MONDO:0009796, OMIM 258870.
Inborn genetic diseases. Identifiers: MedGen C0950123, MeSH D030342.

Allele frequency attached by ClinVar (database versions not stated): ExAC 0.00001; TOPMed 0.00001; gnomAD 0.00002.
gnomAD v4.1: 26 of 1,605,652 alleles (0.0016%); highest among the groups gnomAD compares: Non-Finnish European, 0.0019%; no homozygotes.

Submissions (3):

Ambry Genetics
Classification: Uncertain significance for Inborn genetic diseases. Last evaluated: 2025-01-01. Review status: criteria provided, single submitter. Criteria: Ambry Variant Classification Scheme 2023. Collection method: clinical testing. Allele origin: germline.

Blueprint Genetics
Classification: Uncertain significance. Last evaluated: 2022-09-08. Review status: criteria provided, single submitter. Criteria: ACMG Guidelines, 2015. Collection method: clinical testing. Allele origin: germline.

Labcorp Genetics (formerly Invitae), Labcorp
Classification: Uncertain significance for Ornithine aminotransferase deficiency. Last evaluated: 2022-03-09. Review status: criteria provided, single submitter. Criteria: Invitae Variant Classification Sherloc (09022015). Collection method: clinical testing. Allele origin: germline.
Comment: This sequence change replaces valine, which is neutral and non-polar, with isoleucine, which is neutral and non-polar, at codon 371 of the OAT protein (p.Val371Ile). This variant is present in population databases (rs763064048, gnomAD 0.004%). This variant has not been reported in the literature in individuals affected with OAT-related conditions. Algorithms developed to predict the effect of missense changes on protein structure and function are either unavailable or do not agree on the potential impact of this missense change (SIFT: "Deleterious"; PolyPhen-2: "Possibly Damaging"; Align-GVGD: "Class C0"). In summary, the available evidence is currently insufficient to determine the role of this variant in disease. Therefore, it has been classified as a Variant of Uncertain Significance.